The following is an entry in ClinVar:

NM_022124.6(CDH23):c.1949del (p.Pro650fs)

Gene: CDH23 (cadherin related 23; plus strand). Cytogenetic location: 10q22.1.
Variant type: Deletion.
Coding change: c.1949del on transcript NM_022124.6 (MANE Select); coding-DNA position 1949, one base deleted (C; older notation c.1949delC).
Protein change: p.Pro650fs; shifts the reading frame from proline 650.
Molecular consequence: frameshift variant.
Genome position (GRCh38, 1-based): chr10:71,682,535, C deleted; the last of 6 consecutive C bases (chr10:71,682,530-71,682,535); deleting any one gives the same sequence. VCF-style (leftmost placement, unchanged base first): chr10-71682529-AC-A. GRCh37 (hg19) VCF-style: chr10-73442286-AC-A.
Other names: c.1949del, p.Pro650fs (NM_001171930.2, NM_001171931.2); short protein forms P650fs.
Identifiers: ClinVar variation 4696091 (VCV004696091.2).

ClinVar aggregate classification (germline): Pathogenic/Likely pathogenic. Review status: criteria provided, multiple submitters, no conflicts (2 of 4 stars). 2 submissions from 2 submitters: Pathogenic (1); Likely pathogenic (1). Last evaluated 2026-01-14.

Conditions:
CDH23-related disorder. Also called: CDH23-related condition; CDH23-related disorders.

Submissions (2):

Labcorp Genetics (formerly Invitae), Labcorp
Classification: Pathogenic. Last evaluated: 2026-01-14. Review status: criteria provided, single submitter. Criteria: Invitae Variant Classification Sherloc (09022015). Collection method: clinical testing. Allele origin: germline.
Comment: This sequence change creates a premature translational stop signal (p.Pro650Leufs*44) in the CDH23 gene. It is expected to result in an absent or disrupted protein product. Loss-of-function variants in CDH23 are known to be pathogenic (PMID: 11138009, 21940737). This variant is present in population databases (rs753886326, gnomAD 0.006%). This variant has not been reported in the literature in individuals affected with CDH23-related conditions. For these reasons, this variant has been classified as Pathogenic.

Blueprint Genetics
Classification: Likely pathogenic for CDH23-related disorders. Last evaluated: 2022-05-13. Review status: criteria provided, single submitter. Criteria: ACMG Guidelines, 2015. Collection method: clinical testing. Allele origin: germline. Affected: yes. Observed: 1 variant allele.

Literature cited by the submitters: PubMed 11138009 (cited by Labcorp Genetics (formerly Invitae), Labcorp); PubMed 21940737 (cited by Labcorp Genetics (formerly Invitae), Labcorp).